The following is an entry in ClinVar:

NM_000535.7(PMS2):c.793A>G (p.Asn265Asp)

Gene: PMS2 (PMS1 homolog 2, mismatch repair system component; minus strand). Cytogenetic location: 7p22.1.
Variant type: single nucleotide variant.
Coding change: c.793A>G on transcript NM_000535.7 (MANE Select); coding-DNA position 793, A replaced by G.
Protein change: p.Asn265Asp; replaces asparagine 265 with aspartic acid.
Molecular consequence: missense variant. On other transcripts: 5 prime UTR variant (2), non-coding transcript variant (1).
Genome position (GRCh38, 1-based): chr7:5,997,336, T>C on the plus strand (A>G on the coding strand, the complement: PMS2 is on the minus strand). VCF-style: chr7-5997336-T-C. GRCh37 (hg19) VCF-style: chr7-6036967-T-C.
Other names: c.388A>G, p.Asn130Asp (NM_001322003.2, NM_001322004.2, NM_001322005.2 and 2 more transcripts); c.793A>G, p.Asn265Asp (NM_001322006.2, NM_001322014.2); c.475A>G, p.Asn159Asp (NM_001322007.2, NM_001322008.2); c.-141A>G (NM_001322011.2, NM_001322012.2); c.220A>G, p.Asn74Asp (NM_001322013.2); c.484A>G, p.Asn162Asp (NM_001322015.2); short protein forms N265D, N130D, N159D, N162D, N74D.
Identifiers: ClinVar variation 492298 (VCV000492298.15), dbSNP rs1241742968, ClinGen allele CA366743623.

ClinVar aggregate classification (germline): Uncertain significance. Review status: criteria provided, multiple submitters, no conflicts (2 of 4 stars). 3 submissions from 3 submitters: Uncertain significance (3). Last evaluated 2024-07-02.

Conditions:
Hereditary nonpolyposis colorectal neoplasms. Identifiers: MedGen C0009405, MeSH D003123.
Hereditary cancer-predisposing syndrome. Also called: Hereditary neoplastic syndrome; Tumor predisposition; Hereditary Cancer Syndrome; Neoplastic Syndromes, Hereditary. Identifiers: Orphanet 140162, MedGen C0027672, MeSH D009386, MONDO:0015356.

Allele frequency attached by ClinVar (database versions not stated): gnomAD 0.00001; TOPMed 0.00001.

Submissions (3):

Labcorp Genetics (formerly Invitae), Labcorp
Classification: Uncertain significance for Hereditary nonpolyposis colorectal neoplasms. Last evaluated: 2024-07-02. Review status: criteria provided, single submitter. Criteria: Invitae Variant Classification Sherloc (09022015). Collection method: clinical testing. Allele origin: germline.
Comment: This sequence change replaces asparagine, which is neutral and polar, with aspartic acid, which is acidic and polar, at codon 265 of the PMS2 protein (p.Asn265Asp). This variant is not present in population databases (gnomAD no frequency). This variant has not been reported in the literature in individuals affected with PMS2-related conditions. ClinVar contains an entry for this variant (Variation ID: 492298). Advanced modeling of protein sequence and biophysical properties (such as structural, functional, and spatial information, amino acid conservation, physicochemical variation, residue mobility, and thermodynamic stability) performed at Invitae indicates that this missense variant is not expected to disrupt PMS2 protein function with a negative predictive value of 80%. In summary, the available evidence is currently insufficient to determine the role of this variant in disease. Therefore, it has been classified as a Variant of Uncertain Significance.

Ambry Genetics
Classification: Uncertain significance for Hereditary cancer-predisposing syndrome. Last evaluated: 2023-12-14. Review status: criteria provided, single submitter. Criteria: Ambry Variant Classification Scheme 2023. Collection method: clinical testing. Allele origin: germline.
Comment: The p.N265D variant (also known as c.793A>G), located in coding exon 7 of the PMS2 gene, results from an A to G substitution at nucleotide position 793. The asparagine at codon 265 is replaced by aspartic acid, an amino acid with highly similar properties. This amino acid position is conserved. In addition, this alteration is predicted to be tolerated by in silico analysis. Since supporting evidence is limited at this time, the clinical significance of this alteration remains unclear.

Color Diagnostics, LLC DBA Color Health
Classification: Uncertain significance for Hereditary cancer-predisposing syndrome. Last evaluated: 2023-12-05. Review status: criteria provided, single submitter. Criteria: ACMG Guidelines, 2015. Collection method: clinical testing. Allele origin: germline.
Comment: This missense variant replaces asparagine with aspartic acid at codon 265 of the PMS2 protein. Computational prediction suggests that this variant may not impact protein structure and function (internally defined REVEL score threshold <= 0.5, PMID: 27666373). To our knowledge, functional studies have not been reported for this variant. This variant has not been reported in individuals affected with PMS2-related disorders in the literature. This variant has not been identified in the general population by the Genome Aggregation Database (gnomAD). The available evidence is insufficient to determine the role of this variant in disease conclusively. Therefore, this variant is classified as a Variant of Uncertain Significance.